The following is an entry in ClinVar:

ClinVar aggregate classification (germline): Uncertain significance (1 of 4 stars; one submission).

Allele frequency attached by ClinVar (database versions not stated): ExAC 0.00002; 1000 Genomes Project 0.00020; 1000 Genomes Project 30x 0.00031.
gnomAD v4.1: 8 of 1,613,844 alleles (0.0005%); highest among the groups gnomAD compares: African/African-American, 0.0093%; no homozygotes.

Submission:

Labcorp Genetics (formerly Invitae), Labcorp
Classification: Uncertain significance. Last evaluated: 2022-11-22. Review status: criteria provided, single submitter. Criteria: Invitae Variant Classification Sherloc (09022015). Collection method: clinical testing. Allele origin: germline.
Comment: In summary, the available evidence is currently insufficient to determine the role of this variant in disease. Therefore, it has been classified as a Variant of Uncertain Significance. Algorithms developed to predict the effect of missense changes on protein structure and function output the following: SIFT: "Tolerated"; PolyPhen-2: "Benign"; Align-GVGD: "Class C0". The threonine amino acid residue is found in multiple mammalian species, which suggests that this missense change does not adversely affect protein function. This variant has not been reported in the literature in individuals affected with LTBP2-related conditions. This variant is present in population databases (rs201484114, gnomAD 0.03%). This sequence change replaces asparagine, which is neutral and polar, with threonine, which is neutral and polar, at codon 528 of the LTBP2 protein (p.Asn528Thr).

NM_000428.3(LTBP2):c.1583A>C (p.Asn528Thr)

Gene: LTBP2 (latent transforming growth factor beta binding protein 2; minus strand). Cytogenetic location: 14q24.3.
Variant type: single nucleotide variant.
Coding change: c.1583A>C on transcript NM_000428.3 (MANE Select); coding-DNA position 1583, A replaced by C.
Protein change: p.Asn528Thr; replaces asparagine 528 with threonine.
Molecular consequence: missense variant.
Genome position (GRCh38, 1-based): chr14:74,551,167, T>G on the plus strand (A>C on the coding strand, the complement: LTBP2 is on the minus strand). VCF-style: chr14-74551167-T-G. GRCh37 (hg19) VCF-style: chr14-75017870-T-G.
Other names: short protein forms N528T.
Identifiers: ClinVar variation 1971832 (VCV001971832.5), dbSNP rs201484114, ClinGen allele CA7269844.